The following is an entry in ClinVar:

ClinVar aggregate classification (germline): Likely benign. Review status: criteria provided, multiple submitters, no conflicts (2 of 4 stars). 2 submissions from 2 submitters: Likely benign (2). Last evaluated 2024-02-29.

Allele frequency attached by ClinVar (database versions not stated): ExAC 0.00001; gnomAD 0.00001; gnomAD exomes 0.00001 and 0.00002; TOPMed 0.00004; 1000 Genomes Project 30x 0.00016; 1000 Genomes Project 0.00020.
gnomAD v4.1: 10 of 1,613,948 alleles (0.00062%); highest among the groups gnomAD compares: East Asian, 0.022%; no homozygotes.

Submissions (2):

Labcorp Genetics (formerly Invitae), Labcorp
Classification: Likely benign. Last evaluated: 2024-02-29. Review status: criteria provided, single submitter. Criteria: Invitae Variant Classification Sherloc (09022015). Collection method: clinical testing. Allele origin: germline.

Laboratory for Molecular Medicine, Mass General Brigham Personalized Medicine
Classification: Likely benign. Last evaluated: 2015-06-10. Review status: criteria provided, single submitter. Criteria: LMM Criteria. Collection method: clinical testing. Allele origin: germline. Observed: 1 variant allele.
Comment: p.Leu360Leu in exon 11 of CDH23: This variant is not expected to have clinical s ignificance because it does not alter an amino acid residue and is not located w ithin the splice consensus sequence. It has been identified in 1/8626 of East As ian chromosomes by the Exome Aggregation Consortium (ExAC; dbSNP rs570997401).

NM_022124.6(CDH23):c.1080G>T (p.Leu360=)

Gene: CDH23 (cadherin related 23; plus strand). Cytogenetic location: 10q22.1.
Variant type: single nucleotide variant.
Coding change: c.1080G>T on transcript NM_022124.6 (MANE Select); coding-DNA position 1080, G replaced by T.
Protein change: p.Leu360=; no amino-acid change (leucine 360 retained).
Molecular consequence: synonymous variant.
Genome position (GRCh38, 1-based): chr10:71,617,339, G>T. VCF-style: chr10-71617339-G-T. GRCh37 (hg19) VCF-style: chr10-73377096-G-T.
Other names: c.1080G>T, p.Leu360= (NM_001171930.2, NM_001171931.2, NM_001171932.2 and 1 more transcripts).
Identifiers: ClinVar variation 227214 (VCV000227214.15), dbSNP rs570997401, ClinGen allele CA5543632.